The following is an entry in ClinVar:

NM_138927.4(SON):c.1493C>T (p.Thr498Ile)

Genes: MIR6501 (microRNA 6501; plus strand), SON (SON DNA and RNA binding protein; plus strand). Cytogenetic location: 21q22.11.
Variant type: single nucleotide variant.
Coding change: c.1493C>T on transcript NM_138927.4 (MANE Select); coding-DNA position 1493, C replaced by T.
Protein change: p.Thr498Ile; replaces threonine 498 with isoleucine.
Molecular consequence: missense variant. On other transcripts: non-coding transcript variant (2), intron variant (1).
Genome position (GRCh38, 1-based): chr21:33,550,724, C>T. VCF-style: chr21-33550724-C-T. GRCh37 (hg19) VCF-style: chr21-34923030-C-T.
Other names: c.1493C>T, p.Thr498Ile (NM_032195.3, NM_001291411.2); c.244+4345C>T (NM_001291412.3); short protein forms T498I.
Identifiers: ClinVar variation 4765028 (VCV004765028.1).
Genomic context (GRCh38, chr21:33,550,724, plus strand): 5'-AGTTGCCAGGGCTGCCTTTGGTGACAGCAGCAGTAGAGTTGCCAGAGCAGCCTGCGGTAA[C>T]AGTAGCAATGGAGTTGACCGAACAACCTGTGACGACGACAGAGTTGGAGCAGCCTGTGGG-3'
Protein context (NP_620305.3, residues 488-508): AVELPEQPAV[Thr498Ile]VAMELTEQPV

ClinVar aggregate classification (germline): Uncertain significance (1 of 4 stars; one submission).

gnomAD v4.1: 4 of 1,614,116 alleles (0.00025%); highest among the groups gnomAD compares: African/African-American, 0.0027%; no homozygotes.

Submission:

Labcorp Genetics (formerly Invitae), Labcorp
Classification: Uncertain significance. Last evaluated: 2025-09-10. Review status: criteria provided, single submitter. Criteria: Invitae Variant Classification Sherloc (09022015). Collection method: clinical testing. Allele origin: germline.
Comment: This sequence change replaces threonine, which is neutral and polar, with isoleucine, which is neutral and non-polar, at codon 498 of the SON protein (p.Thr498Ile). This variant is present in population databases (no rsID available, gnomAD 0.0009%). This variant has not been reported in the literature in individuals affected with SON-related conditions. An algorithm developed to predict the effect of missense changes on protein structure and function (PolyPhen-2) suggests that this variant is likely to be disruptive. In summary, the available evidence is currently insufficient to determine the role of this variant in disease. Therefore, it has been classified as a Variant of Uncertain Significance.